The following is an entry in ClinVar:

ClinVar aggregate classification (germline): Uncertain significance (1 of 4 stars; one submission).

Submission:

Labcorp Genetics (formerly Invitae), Labcorp
Classification: Uncertain significance. Last evaluated: 2023-04-09. Review status: criteria provided, single submitter. Criteria: Invitae Variant Classification Sherloc (09022015). Collection method: clinical testing. Allele origin: germline.
Comment: In summary, the available evidence is currently insufficient to determine the role of this variant in disease. Therefore, it has been classified as a Variant of Uncertain Significance. An algorithm developed to predict the effect of missense changes on protein structure and function (PolyPhen-2) suggests that this variant is likely to be tolerated. This variant has not been reported in the literature in individuals affected with RNF43-related conditions. This variant is not present in population databases (gnomAD no frequency). This sequence change replaces arginine, which is basic and polar, with serine, which is neutral and polar, at codon 617 of the RNF43 protein (p.Arg617Ser).

NM_017763.6(RNF43):c.1851G>C (p.Arg617Ser)

Gene: RNF43 (ring finger protein 43; minus strand). Cytogenetic location: 17q22.
Variant type: single nucleotide variant.
Coding change: c.1851G>C on transcript NM_017763.6 (MANE Select); coding-DNA position 1851, G replaced by C.
Protein change: p.Arg617Ser; replaces arginine 617 with serine.
Molecular consequence: missense variant.
Genome position (GRCh38, 1-based): chr17:58,357,925, C>G on the plus strand (G>C on the coding strand, the complement: RNF43 is on the minus strand). VCF-style: chr17-58357925-C-G. GRCh37 (hg19) VCF-style: chr17-56435286-C-G.
Other names: c.1851G>C, p.Arg617Ser (NM_001305544.3); c.1470G>C, p.Arg490Ser (NM_001305545.2); short protein forms R490S, R617S.
Identifiers: ClinVar variation 2776625 (VCV002776625.3), dbSNP rs2143397987, ClinGen allele CA400387209.
Genomic context (GRCh38, chr17:58,357,925, plus strand): 5'-GCTGGTACTGGGGCAGATGCTGGAGGCGTCAACTGGGCCAGGGGCTGGCTCAGGGAGGGC[C>G]CTGGGGCACTGTGGGTTAGAGAGCCGCCCCGAAGGGGCTGCTGAGTTGGATCTGGTGACT-3'
Protein context (NP_060233.3, residues 607-627): SGRLSNPQCP[Arg617Ser]ALPEPAPGPV